The following is an entry in ClinVar:

ClinVar aggregate classification (germline): Conflicting classifications of pathogenicity. Review status: criteria provided, conflicting classifications (1 of 4 stars). 10 submissions from 10 submitters: Uncertain significance (1); Benign (1); Likely benign (5). 3 of the submissions do not count toward it. Last evaluated 2026-03-01.

Conditions:
FANCA-related disorder. Also called: FANCA-related condition.
Inborn genetic diseases. Identifiers: MedGen C0950123, MeSH D030342.
Fanconi anemia (FA). Also called: Fanconi's anemia. Identifiers: Orphanet 84, MedGen C0015625, MeSH D005199, MONDO:0019391.
Fanconi anemia complementation group A (FANCA). Also called: Fanconi anemia, group A; FANCA-Related Fanconi Anemia. Identifiers: Orphanet 84, MedGen C3469521, MONDO:0009215, OMIM 227650.

Allele frequency attached by ClinVar (database versions not stated): gnomAD exomes 0.00030; ESP Exome Variant Server 0.00100; 1000 Genomes Project 30x 0.00125; gnomAD 0.00137; 1000 Genomes Project 0.00140; TOPMed 0.00167.
gnomAD v4.1: 389 of 1,613,526 alleles (0.024%); highest among the groups gnomAD compares: African/African-American, 0.41%; 3 homozygotes.

Submissions (10):

CeGaT Center for Human Genetics Tuebingen
Classification: Likely benign. Last evaluated: 2026-03-01. Review status: criteria provided, single submitter. Criteria: CeGaT Center For Human Genetics Tuebingen Variant Classification Criteria Version 2. Collection method: clinical testing. Allele origin: germline. Affected: yes. Observed: 1 variant allele.
Comment: FANCA: BP4

Labcorp Genetics (formerly Invitae), Labcorp
Classification: Benign for Fanconi anemia. Last evaluated: 2026-01-31. Review status: criteria provided, single submitter. Criteria: Invitae Variant Classification Sherloc (09022015). Collection method: clinical testing. Allele origin: germline.

Quest Diagnostics Nichols Institute San Juan Capistrano
Classification: Likely benign. Last evaluated: 2025-06-18. Review status: criteria provided, single submitter. Criteria: Quest Diagnostics criteria. Collection method: clinical testing. Allele origin: unknown.

Ambry Genetics
Classification: Likely benign for Inborn genetic diseases. Last evaluated: 2024-10-04. Review status: criteria provided, single submitter. Criteria: Ambry Variant Classification Scheme 2023. Collection method: clinical testing. Allele origin: germline.

Blueprint Genetics
Classification: Likely benign. Last evaluated: 2024-08-06. Review status: criteria provided, single submitter. Criteria: ACMG Guidelines, 2015. Collection method: clinical testing. Allele origin: germline.

Sema4
Classification: Likely benign for Fanconi anemia. Last evaluated: 2021-03-18. Review status: criteria provided, single submitter. Criteria: Sema4 Curation Guidelines. Collection method: curation. Allele origin: germline.

Genetic Services Laboratory, University of Chicago
Classification: Uncertain significance. Last evaluated: 2019-06-26. Review status: criteria provided, single submitter. Criteria: ACMG Guidelines, 2015. Collection method: clinical testing. Allele origin: germline. Affected: no.

PreventionGenetics, part of Exact Sciences
Classification: Likely benign for FANCA-related condition. Last evaluated: 2022-01-07. Review status: no assertion criteria provided. Collection method: clinical testing. Allele origin: germline. Not counted in ClinVar's aggregate classification.
Comment: This variant is classified as likely benign based on ACMG/AMP sequence variant interpretation guidelines (Richards et al. 2015 PMID: 25741868, with internal and published modifications).

Natera, Inc.
Classification: Benign for Fanconi anemia, group A. Last evaluated: 2020-09-16. Review status: no assertion criteria provided. Collection method: clinical testing. Allele origin: germline. Not counted in ClinVar's aggregate classification.

ITMI
No classification provided. Condition: AllHighlyPenetrant. Last evaluated: 2013-09-19. Review status: no classification provided. Collection method: reference population. Allele origin: germline. Not counted in ClinVar's aggregate classification.
Comment: Please see associated publication for description of ethnicities

Literature cited by the submitters: PubMed 24728327 (cited by Quest Diagnostics Nichols Institute San Juan Capistrano and ITMI).

NM_000135.4(FANCA):c.2977C>A (p.Gln993Lys)

Gene: FANCA (FA complementation group A; minus strand). Cytogenetic location: 16q24.3.
Variant type: single nucleotide variant.
Coding change: c.2977C>A on transcript NM_000135.4 (MANE Select); coding-DNA position 2977, C replaced by A.
Protein change: p.Gln993Lys; replaces glutamine 993 with lysine.
Molecular consequence: missense variant.
Genome position (GRCh38, 1-based): chr16:89,758,581, G>T on the plus strand (C>A on the coding strand, the complement: FANCA is on the minus strand). VCF-style: chr16-89758581-G-T. GRCh37 (hg19) VCF-style: chr16-89824989-G-T.
Other names: c.2977C>A (NM_000135.3); c.2977C>A, p.Gln993Lys (NM_001286167.3); short protein forms Q993K.
Identifiers: ClinVar variation 134263 (VCV000134263.26), dbSNP rs140823801, ClinGen allele CA159299.